The following is an entry in ClinVar:

NM_000051.4(ATM):c.498A>G (p.Glu166=)

Gene: ATM (ATM serine/threonine kinase; plus strand). Cytogenetic location: 11q22.3.
Variant type: single nucleotide variant.
Coding change: c.498A>G on transcript NM_000051.4 (MANE Select); coding-DNA position 498, A replaced by G.
Protein change: p.Glu166=; no amino-acid change (glutamic acid 166 retained).
Molecular consequence: synonymous variant.
Genome position (GRCh38, 1-based): chr11:108,243,954, A>G. VCF-style: chr11-108243954-A-G. GRCh37 (hg19) VCF-style: chr11-108114681-A-G.
Other names: c.498A>G, p.Glu166= (NM_001351834.2).
Identifiers: ClinVar variation 524429 (VCV000524429.15), dbSNP rs587779842, ClinGen allele CA476671359.

ClinVar aggregate classification (germline): Benign/Likely benign. Review status: criteria provided, multiple submitters, no conflicts (2 of 4 stars). 3 submissions from 3 submitters: Benign (1); Likely benign (2). Last evaluated 2025-01-08.

Conditions:
Hereditary cancer-predisposing syndrome. Also called: Neoplastic Syndromes, Hereditary; Tumor predisposition; Hereditary Cancer Syndrome; Hereditary neoplastic syndrome. Identifiers: Orphanet 140162, MedGen C0027672, MeSH D009386, MONDO:0015356.
Familial cancer of breast. Also called: hereditary breast carcinoma; BREAST CANCER, FAMILIAL; Hereditary breast cancer. Identifiers: Orphanet 227535, MedGen C0346153, MONDO:0016419, OMIM 114480. Disease mechanism: loss of function.
Ataxia-telangiectasia syndrome (AT). Also called: ATAXIA-TELANGIECTASIA, COMPLEMENTATION GROUP A; ATAXIA-TELANGIECTASIA, FRESNO VARIANT; Ataxia-telangiectasia; Ataxia-telangiectasia, complementation group D; AT, COMPLEMENTATION GROUP C; Ataxia-telangiectasia, complementation group E. Identifiers: Orphanet 100, MedGen C0004135, MONDO:0008840, OMIM 208900.

Allele frequency attached by ClinVar (database versions not stated): TOPMed below 0.00001.
gnomAD v4.1: 1 of 1,550,818 alleles (0.000064%); highest among the groups gnomAD compares: South Asian, 0.0012%; no homozygotes.

Submissions (3):

Ambry Genetics
Classification: Likely benign for Hereditary cancer-predisposing syndrome. Last evaluated: 2025-01-08. Review status: criteria provided, single submitter. Criteria: Ambry Variant Classification Scheme 2023. Collection method: clinical testing. Allele origin: germline.

Myriad Genetics, Inc.
Classification: Benign for Familial cancer of breast. Last evaluated: 2024-04-19. Review status: criteria provided, single submitter. Criteria: Myriad Autosomal Dominant, Autosomal Recessive and X-Linked Classification Criteria (2023). Collection method: clinical testing. Allele origin: unknown.
Comment: This variant is considered benign. This variant is a silent/synonymous amino acid change and it is not expected to impact splicing.

Labcorp Genetics (formerly Invitae), Labcorp
Classification: Likely benign for Ataxia-telangiectasia syndrome. Last evaluated: 2024-04-08. Review status: criteria provided, single submitter. Criteria: Invitae Variant Classification Sherloc (09022015). Collection method: clinical testing. Allele origin: germline.